The following is an entry in ClinVar:

ClinVar aggregate classification (germline): Uncertain significance (1 of 4 stars; one submission).

Conditions:
Autosomal recessive axonal neuropathy with neuromyotonia (NMAN). Also called: Neuromyotonia and axonal neuropathy, autosomal recessive; MYOKYMIA, MYOTONIA, AND MUSCLE WASTING; Gamstorp-Wohlfart syndrome. Identifiers: Orphanet 324442, MedGen C5700127, MONDO:0007646, OMIM 137200.

Allele frequency attached by ClinVar (database versions not stated): TOPMed below 0.00001.

Submission:

Labcorp Genetics (formerly Invitae), Labcorp
Classification: Uncertain significance for Autosomal recessive axonal neuropathy with neuromyotonia. Last evaluated: 2022-05-01. Review status: criteria provided, single submitter. Criteria: Invitae Variant Classification Sherloc (09022015). Collection method: clinical testing. Allele origin: germline.
Comment: In summary, the available evidence is currently insufficient to determine the role of this variant in disease. Therefore, it has been classified as a Variant of Uncertain Significance. Algorithms developed to predict the effect of missense changes on protein structure and function (SIFT, PolyPhen-2, Align-GVGD) all suggest that this variant is likely to be tolerated. This variant has not been reported in the literature in individuals affected with HINT1-related conditions. This variant is not present in population databases (gnomAD no frequency). This sequence change replaces arginine, which is basic and polar, with glycine, which is neutral and non-polar, at codon 119 of the HINT1 protein (p.Arg119Gly).

NM_005340.7(HINT1):c.355C>G (p.Arg119Gly)

Gene: HINT1 (histidine triad nucleotide binding protein 1; minus strand). Cytogenetic location: 5q23.3.
Variant type: single nucleotide variant.
Coding change: c.355C>G on transcript NM_005340.7 (MANE Select); coding-DNA position 355, C replaced by G.
Protein change: p.Arg119Gly; replaces arginine 119 with glycine.
Molecular consequence: missense variant. On other transcripts: non-coding transcript variant (5).
Genome position (GRCh38, 1-based): chr5:131,159,473, G>C on the plus strand (C>G on the coding strand, the complement: HINT1 is on the minus strand). VCF-style: chr5-131159473-G-C. GRCh37 (hg19) VCF-style: chr5-130495166-G-C.
Other names: short protein forms R119G.
Identifiers: ClinVar variation 2129622 (VCV002129622.4), dbSNP rs768248277, ClinGen allele CA360838069.